The following is an entry in ClinVar:

NM_015991.4(C1QA):c.61G>A (p.Val21Met)

Gene: C1QA (complement C1q A chain; plus strand). Cytogenetic location: 1p36.12.
Variant type: single nucleotide variant.
Coding change: c.61G>A on transcript NM_015991.4 (MANE Select); coding-DNA position 61, G replaced by A.
Protein change: p.Val21Met; replaces valine 21 with methionine.
Molecular consequence: missense variant.
Genome position (GRCh38, 1-based): chr1:22,637,677, G>A. VCF-style: chr1-22637677-G-A. GRCh37 (hg19) VCF-style: chr1-22964170-G-A.
Other names: c.61G>A, p.Val21Met (NM_001347465.2, NM_001347466.2); short protein forms V21M.
Identifiers: ClinVar variation 1404002 (VCV001404002.8), dbSNP rs2148289978, ClinGen allele CA338927105.

ClinVar aggregate classification (germline): Uncertain significance (1 of 4 stars; one submission).

Submission:

Labcorp Genetics (formerly Invitae), Labcorp
Classification: Uncertain significance. Last evaluated: 2022-03-19. Review status: criteria provided, single submitter. Criteria: Invitae Variant Classification Sherloc (09022015). Collection method: clinical testing. Allele origin: germline.
Comment: In summary, the available evidence is currently insufficient to determine the role of this variant in disease. Therefore, it has been classified as a Variant of Uncertain Significance. Algorithms developed to predict the effect of missense changes on protein structure and function output the following: SIFT: "Tolerated"; PolyPhen-2: "Benign"; Align-GVGD: "Class C0". The methionine amino acid residue is found in multiple mammalian species, which suggests that this missense change does not adversely affect protein function. This variant has not been reported in the literature in individuals affected with C1QA-related conditions. This variant is not present in population databases (gnomAD no frequency). This sequence change replaces valine, which is neutral and non-polar, with methionine, which is neutral and non-polar, at codon 21 of the C1QA protein (p.Val21Met).